The following is an entry in ClinVar:

NM_000051.4(ATM):c.8331T>A (p.Gly2777=)

Genes: ATM (ATM serine/threonine kinase; plus strand), C11orf65 (chromosome 11 open reading frame 65; minus strand). Cytogenetic location: 11q22.3.
Variant type: single nucleotide variant.
Coding change: c.8331T>A on transcript NM_000051.4 (MANE Select); coding-DNA position 8331, T replaced by A.
Protein change: p.Gly2777=; no amino-acid change (glycine 2777 retained).
Molecular consequence: synonymous variant. On other transcripts: intron variant (2).
Genome position (GRCh38, 1-based): chr11:108,343,284, T>A. VCF-style: chr11-108343284-T-A. GRCh37 (hg19) VCF-style: chr11-108214011-T-A.
Other names: c.8331T>A, p.Gly2777= (NM_001351834.2); c.641-34213A>T (NM_001330368.2); c.695-7992A>T (NM_001351110.2).
Identifiers: ClinVar variation 3253943 (VCV003253943.1), dbSNP rs2136946197.
Genomic context (GRCh38, chr11:108,343,284, plus strand): 5'-GGTTCCCCTCTCTCAGCGAAGTGGTGTTCTTGAATGGTGCACAGGAACTGTCCCCATTGG[T>A]GAATTTCTTGTTAACAATGAAGATGGTGCTCATAAAAGATACAGGCCAAATGATTTCAGT-3'
Protein context (NP_000042.3, residues 2767-2787): LEWCTGTVPI[Gly2777=]EFLVNNEDGA

ClinVar aggregate classification (germline): Benign (1 of 4 stars; one submission).

Conditions:
Familial cancer of breast. Also called: hereditary breast carcinoma; BREAST CANCER, FAMILIAL; Hereditary breast cancer. Identifiers: Orphanet 227535, MedGen C0346153, MONDO:0016419, OMIM 114480. Disease mechanism: loss of function.

Submission:

Myriad Genetics, Inc.
Classification: Benign for Familial cancer of breast. Last evaluated: 2024-06-19. Review status: criteria provided, single submitter. Criteria: Myriad Autosomal Dominant, Autosomal Recessive and X-Linked Classification Criteria (2023). Collection method: clinical testing. Allele origin: unknown.
Comment: This variant is considered benign. This variant is a silent/synonymous amino acid change and it is not expected to impact splicing.